The following is an entry in ClinVar:

ClinVar aggregate classification (germline): Uncertain significance (1 of 4 stars; one submission).

Submission:

Labcorp Genetics (formerly Invitae), Labcorp
Classification: Uncertain significance. Last evaluated: 2023-04-12. Review status: criteria provided, single submitter. Criteria: Invitae Variant Classification Sherloc (09022015). Collection method: clinical testing. Allele origin: germline.
Comment: In summary, the available evidence is currently insufficient to determine the role of this variant in disease. Therefore, it has been classified as a Variant of Uncertain Significance. Advanced modeling of protein sequence and biophysical properties (such as structural, functional, and spatial information, amino acid conservation, physicochemical variation, residue mobility, and thermodynamic stability) performed at Invitae indicates that this missense variant is expected to disrupt MYH14 protein function. This sequence change replaces glycine, which is neutral and non-polar, with tryptophan, which is neutral and slightly polar, at codon 333 of the MYH14 protein (p.Gly333Trp). This variant is not present in population databases (gnomAD no frequency). This variant has not been reported in the literature in individuals affected with MYH14-related conditions. ClinVar contains an entry for this variant (Variation ID: 2005542).

NM_001145809.2(MYH14):c.1021G>T (p.Gly341Trp)

Gene: MYH14 (myosin heavy chain 14; plus strand). Cytogenetic location: 19q13.33.
Variant type: single nucleotide variant.
Coding change: c.1021G>T on transcript NM_001145809.2 (MANE Select); coding-DNA position 1021, G replaced by T.
Protein change: p.Gly341Trp; replaces glycine 341 with tryptophan.
Molecular consequence: missense variant.
Genome position (GRCh38, 1-based): chr19:50,231,977, G>T. VCF-style: chr19-50231977-G-T. GRCh37 (hg19) VCF-style: chr19-50735234-G-T.
Other names: c.1021G>T, p.Gly341Trp (NM_001077186.2); c.997G>T, p.Gly333Trp (NM_024729.4); short protein forms G333W, G341W.
Identifiers: ClinVar variation 2005542 (VCV002005542.4), dbSNP rs558087419, ClinGen allele CA406955000.
Genomic context (GRCh38, chr19:50,231,977, plus strand): 5'-ATTGTCCCTGCAGCCGACCTCCTCCTCGAGCCCTGCTCCCACTACCGGTTCCTGACCAAC[G>T]GGCCGTCATCCTCTCCCGGCCAGGAGCGGGAACTCTTCCAGGAGACGCTGGAGTCGCTGC-3'
Protein context (NP_001139281.1, residues 331-351): PCSHYRFLTN[Gly341Trp]PSSSPGQERE